The following is an entry in ClinVar:

ClinVar aggregate classification (germline): Uncertain significance. Review status: criteria provided, multiple submitters, no conflicts (2 of 4 stars). 2 submissions from 2 submitters: Uncertain significance (2). Last evaluated 2025-08-13.

Allele frequency attached by ClinVar (database versions not stated): TOPMed 0.00001; gnomAD exomes 0.00002.

Submissions (2):

Ambry Genetics
Classification: Uncertain significance. Last evaluated: 2025-08-13. Review status: criteria provided, single submitter. Criteria: Ambry Variant Classification Scheme 2023. Collection method: clinical testing. Allele origin: germline.

Labcorp Genetics (formerly Invitae), Labcorp
Classification: Uncertain significance. Last evaluated: 2025-03-18. Review status: criteria provided, single submitter. Criteria: Invitae Variant Classification Sherloc (09022015). Collection method: clinical testing. Allele origin: germline.
Comment: This sequence change replaces glutamine, which is neutral and polar, with arginine, which is basic and polar, at codon 734 of the SEMA4A protein (p.Gln734Arg). This variant is present in population databases (no rsID available, gnomAD 0.003%). This variant has not been reported in the literature in individuals affected with SEMA4A-related conditions. ClinVar contains an entry for this variant (Variation ID: 2185018). An algorithm developed to predict the effect of missense changes on protein structure and function outputs the following: PolyPhen-2: "Benign". The arginine amino acid residue is found in multiple mammalian species, which suggests that this missense change does not adversely affect protein function. In summary, the available evidence is currently insufficient to determine the role of this variant in disease. Therefore, it has been classified as a Variant of Uncertain Significance.

NM_022367.4(SEMA4A):c.2201A>G (p.Gln734Arg)

Gene: SEMA4A (semaphorin 4A; plus strand). Cytogenetic location: 1q22.
Variant type: single nucleotide variant.
Coding change: c.2201A>G on transcript NM_022367.4 (MANE Select); coding-DNA position 2201, A replaced by G.
Protein change: p.Gln734Arg; replaces glutamine 734 with arginine.
Molecular consequence: missense variant.
Genome position (GRCh38, 1-based): chr1:156,176,912, A>G. VCF-style: chr1-156176912-A-G. GRCh37 (hg19) VCF-style: chr1-156146703-A-G.
Other names: c.2201A>G, p.Gln734Arg (NM_001193300.2, NM_001193301.2, NM_001370567.1); c.1805A>G, p.Gln602Arg (NM_001193302.2); c.1904A>G, p.Gln635Arg (NM_001370568.1); c.1694A>G, p.Gln565Arg (NM_001370569.1, NM_001370571.1); c.2201A>G (NM_022367.3); short protein forms Q602R, Q565R, Q734R, Q635R.
Identifiers: ClinVar variation 2185018 (VCV002185018.5), dbSNP rs1313296667, ClinGen allele CA342813850.